The following is an entry in ClinVar:

ClinVar aggregate classification (germline): Pathogenic (1 of 4 stars; one submission).

Conditions:
Fabry disease. Also called: Fabry's disease; ALPHA-GALACTOSIDASE A DEFICIENCY; ANDERSON-FABRY DISEASE; CERAMIDE TRIHEXOSIDASE DEFICIENCY; GLA DEFICIENCY; HEREDITARY DYSTOPIC LIPIDOSIS. Identifiers: Orphanet 324, MedGen C0002986, MONDO:0010526, OMIM 301500, HP:0001071. Disease mechanism: Fabry disease is due to inactivating mutations in the X-linked GLA gene resulting in deficiency of the enzyme Alpha Galactosidase-A., loss of function.

Submission:

Genomenon, Inc
Classification: Pathogenic for Fabry disease. Last evaluated: 2026-09-08. Review status: criteria provided, single submitter. Criteria: Genomenon Sequence Variant Interpretation Standards - Updated. Collection method: curation. Allele origin: germline. Affected: yes.
Comment: GLA p.Cys56Ser (c.166T>A) is a missense variant that changes the amino acid at codon 56 from Cysteine to Serine. This variant has been observed in at least one proband with clinical features consistent with Fabry disease (PMID:30677769;38002959). The variant was found to segregate with disease in at least one affected family (PMID:38002959). At least one functional study has demonstrated a substantial alteration in protein function relative to the wild-type (PMID:26044846). This variant is located in a mutational hotspot and/or important functional domain. It is absent or not present at a significant frequency in gnomAD. In silico models predict that this variant is possibly or probably damaging. In conclusion, we classify GLA p.Cys56Ser (c.166T>A) as a pathogenic variant.

Literature cited by the submitters: PubMed 30677769; PubMed 38002959; PubMed 26044846.

NM_000169.3(GLA):c.166T>A (p.Cys56Ser)

Genes: GLA (galactosidase alpha; minus strand), RPL36A-HNRNPH2 (RPL36A-HNRNPH2 readthrough; plus strand). Cytogenetic location: Xq22.1.
Variant type: single nucleotide variant.
Coding change: c.166T>A on transcript NM_000169.3 (MANE Select); coding-DNA position 166, T replaced by A.
Protein change: p.Cys56Ser; replaces cysteine 56 with serine.
Molecular consequence: missense variant. On other transcripts: non-coding transcript variant (3), intron variant (2).
Genome position (GRCh38, 1-based): chrX:101,407,738, A>T on the plus strand (T>A on the coding strand, the complement: GLA is on the minus strand). VCF-style: chrX-101407738-A-T. GRCh37 (hg19) VCF-style: chrX-100662726-A-T.
Other names: c.166T>A, p.Cys56Ser (NM_001406747.1, NM_001406748.1, NM_001406749.1); c.301-4198A>T (NM_001199973.2); c.178-4198A>T (NM_001199974.2); short protein forms C56S.
Identifiers: ClinVar variation 4974862 (VCV004974862.1).
Genomic context (GRCh38, chrX:101,407,738, plus strand): 5'-GCAAAGGGAAGGGAGTACCCAATATCTGATACCTGATGCAGGAATCTGGCTCTTCCTGGC[A>T]GTCAAGGTTGCACATGAAGCGCTCCCAGTGCAGCCAGCCCATGGTAGGCGTCCTTGCCAA-3'
Protein context (NP_000160.1, residues 46-66): HWERFMCNLD[Cys56Ser]QEEPDSCISE